The following is an entry in ClinVar:

NM_183075.3(CYP2U1):c.869T>C (p.Ile290Thr)

Gene: CYP2U1 (cytochrome P450 family 2 subfamily U member 1; plus strand). Cytogenetic location: 4q25.
Variant type: single nucleotide variant.
Coding change: c.869T>C on transcript NM_183075.3 (MANE Select); coding-DNA position 869, T replaced by C.
Protein change: p.Ile290Thr; replaces isoleucine 290 with threonine.
Molecular consequence: missense variant.
Genome position (GRCh38, 1-based): chr4:107,945,348, T>C. VCF-style: chr4-107945348-T-C. GRCh37 (hg19) VCF-style: chr4-108866504-T-C.
Other names: c.869T>C (NM_183075.2); short protein forms I290T.
Identifiers: ClinVar variation 1576004 (VCV001576004.33), dbSNP rs761095930, ClinGen allele CA3037073.

ClinVar aggregate classification (germline): Conflicting classifications of pathogenicity. Review status: criteria provided, conflicting classifications (1 of 4 stars). 3 submissions from 3 submitters: Uncertain significance (2); Likely benign (1). Last evaluated 2025-12-21.

Conditions:
Inborn genetic diseases. Identifiers: MedGen C0950123, MeSH D030342.
Spastic paraplegia. Identifiers: MedGen C0037772, HP:0001258.

Submissions (3):

Labcorp Genetics (formerly Invitae), Labcorp
Classification: Likely benign for Spastic paraplegia. Last evaluated: 2025-12-21. Review status: criteria provided, single submitter. Criteria: Invitae Variant Classification Sherloc (09022015). Collection method: clinical testing. Allele origin: germline.

Ambry Genetics
Classification: Uncertain significance for Inborn genetic diseases. Last evaluated: 2025-08-14. Review status: criteria provided, single submitter. Criteria: Ambry Variant Classification Scheme 2023. Collection method: clinical testing. Allele origin: germline.

CeGaT Center for Human Genetics Tuebingen
Classification: Uncertain significance. Last evaluated: 2023-11-01. Review status: criteria provided, single submitter. Criteria: CeGaT Center For Human Genetics Tuebingen Variant Classification Criteria Version 2. Collection method: clinical testing. Allele origin: germline. Affected: yes. Observed: 1 variant allele.
Comment: CYP2U1: PM2, BP4